The following is an entry in ClinVar:

ClinVar aggregate classification (germline): Uncertain significance (1 of 4 stars; one submission).

Conditions:
Developmental and epileptic encephalopathy, 11 (DEE11). Also called: Early infantile epileptic encephalopathy 11. Identifiers: Orphanet 1934, MedGen C3150987, MONDO:0013388, OMIM 613721.
Seizures, benign familial infantile, 3 (BFIS3). Also called: Familial neonatal seizures; CONVULSIONS, BENIGN FAMILIAL INFANTILE, 3. Identifiers: Orphanet 140927, Orphanet 306, MedGen C1843140, MONDO:0011904, OMIM 607745.

Allele frequency attached by ClinVar (database versions not stated): gnomAD exomes below 0.00001.
gnomAD v4.1: 6 of 1,603,816 alleles (0.00037%); highest among the groups gnomAD compares: Non-Finnish European, 0.00051%; no homozygotes.

Submission:

Labcorp Genetics (formerly Invitae), Labcorp
Classification: Uncertain significance for Seizures, benign familial infantile, 3; Developmental and epileptic encephalopathy, 11. Last evaluated: 2019-05-27. Review status: criteria provided, single submitter. Criteria: Invitae Variant Classification Sherloc (09022015). Collection method: clinical testing. Allele origin: germline.
Comment: This variant is not present in population databases (ExAC no frequency). This sequence change replaces lysine with isoleucine at codon 120 of the SCN2A protein (p.Lys120Ile). The lysine residue is highly conserved and there is a moderate physicochemical difference between lysine and isoleucine. This variant has not been reported in the literature in individuals with SCN2A-related conditions. In summary, the available evidence is currently insufficient to determine the role of this variant in disease. Therefore, it has been classified as a Variant of Uncertain Significance. Algorithms developed to predict the effect of missense changes on protein structure and function are either unavailable or do not agree on the potential impact of this missense change (SIFT: "Deleterious"; PolyPhen-2: "Possibly Damaging"; Align-GVGD: "Class C0").

NM_001040142.2(SCN2A):c.359A>T (p.Lys120Ile)

Gene: SCN2A (sodium voltage-gated channel alpha subunit 2; plus strand). Cytogenetic location: 2q24.3.
Variant type: single nucleotide variant.
Coding change: c.359A>T on transcript NM_001040142.2 (MANE Select); coding-DNA position 359, A replaced by T.
Protein change: p.Lys120Ile; replaces lysine 120 with isoleucine.
Molecular consequence: missense variant.
Genome position (GRCh38, 1-based): chr2:165,297,108, A>T. VCF-style: chr2-165297108-A-T. GRCh37 (hg19) VCF-style: chr2-166153618-A-T.
Other names: c.359A>T, p.Lys120Ile (NM_001040143.2, NM_001371246.1, NM_001371247.1 and 1 more transcripts); short protein forms K120I.
Identifiers: ClinVar variation 948341 (VCV000948341.10), dbSNP rs1696551190, ClinGen allele CA349011856.